The following is an entry in ClinVar:

NM_002635.4(SLC25A3):c.158-102A>G

Genes: SLC25A3 (solute carrier family 25 member 3; plus strand), LOC130008523 (ATAC-STARR-seq lymphoblastoid active region 6847; plus strand). Cytogenetic location: 12q23.1.
Variant type: single nucleotide variant.
Coding change: c.158-102A>G on transcript NM_002635.4 (MANE Select); 102 bases into the intron before coding-DNA position 158, A replaced by G.
Molecular consequence: intron variant.
Genome position (GRCh38, 1-based): chr12:98,595,625, A>G. VCF-style: chr12-98595625-A-G. GRCh37 (hg19) VCF-style: chr12-98989403-A-G.
Other names: c.158-102A>G (NM_213611.3); c.282+68A>G (NM_005888.4).
Identifiers: ClinVar variation 675485 (VCV000675485.1), dbSNP rs58590576, ClinGen allele CA6732883.

ClinVar aggregate classification (germline): Benign (1 of 4 stars; one submission).

Allele frequency attached by ClinVar (database versions not stated): gnomAD exomes 0.00653; ExAC 0.00853; gnomAD 0.02606 and 0.02784; TOPMed 0.02869; 1000 Genomes Project 0.03195; 1000 Genomes Project 30x 0.03232.
gnomAD v4.1: 7,618 of 1,612,580 alleles (0.47%); highest among the groups gnomAD compares: African/African-American, 9%; 328 homozygotes.

Submission:

GeneDx
Classification: Benign. Last evaluated: 2018-06-19. Review status: criteria provided, single submitter. Criteria: GeneDx Variant Classification (06012015). Collection method: clinical testing. Allele origin: germline. Affected: yes.
Comment: This variant is considered likely benign or benign based on one or more of the following criteria: it is a conservative change, it occurs at a poorly conserved position in the protein, it is predicted to be benign by multiple in silico algorithms, and/or has population frequency not consistent with disease.